The following is an entry in ClinVar:

ClinVar aggregate classification (germline): Uncertain significance. Review status: criteria provided, multiple submitters, no conflicts (2 of 4 stars). 2 submissions from 2 submitters: Uncertain significance (2). Last evaluated 2025-07-16.

Conditions:
Inborn genetic diseases. Identifiers: MedGen C0950123, MeSH D030342.

Allele frequency attached by ClinVar (database versions not stated): gnomAD exomes below 0.00001.
gnomAD v4.1: 1 of 1,612,350 alleles (0.000062%); highest among the groups gnomAD compares: Non-Finnish European, 0.000085%; no homozygotes.

Submissions (2):

GeneDx
Classification: Uncertain significance. Last evaluated: 2025-07-16. Review status: criteria provided, single submitter. Criteria: GeneDx Variant Classification Process June 2021. Collection method: clinical testing. Allele origin: germline. Affected: yes.
Comment: Not observed at significant frequency in large population cohorts (gnomAD); In silico analysis supports that this missense variant has a deleterious effect on protein structure/function; Has not been previously published as pathogenic or benign to our knowledge

Ambry Genetics
Classification: Uncertain significance for Inborn genetic diseases. Last evaluated: 2021-12-14. Review status: criteria provided, single submitter. Criteria: Ambry Variant Classification Scheme 2023. Collection method: clinical testing. Allele origin: germline.

NM_001394998.1(TANC2):c.2618G>A (p.Arg873His)

Gene: TANC2 (tetratricopeptide repeat, ankyrin repeat and coiled-coil containing 2; plus strand). Cytogenetic location: 17q23.3.
Variant type: single nucleotide variant.
Coding change: c.2618G>A on transcript NM_001394998.1 (MANE Select); coding-DNA position 2618, G replaced by A.
Protein change: p.Arg873His; replaces arginine 873 with histidine.
Molecular consequence: missense variant.
Genome position (GRCh38, 1-based): chr17:63,379,753, G>A. VCF-style: chr17-63379753-G-A. GRCh37 (hg19) VCF-style: chr17-61457114-G-A.
Other names: c.2396G>A, p.Arg799His (NM_001411076.1, NM_025185.4); short protein forms R873H, R799H.
Identifiers: ClinVar variation 2266840 (VCV002266840.3), dbSNP rs2510205768, ClinGen allele CA400529637.
Genomic context (GRCh38, chr17:63,379,753, plus strand): 5'-AAAATGAATTTCTCTTTTTTTGCAGGAGTGGTCACACGTTACTTGCCTTCTGGTTTTCCC[G>A]CCAAGAGGGAAAACTAAACCGACAGCAGACTATTGAACTGGGACATCACATCCTCAAAGC-3'
Protein context (NP_001381927.1, residues 863-883): GHTLLAFWFS[Arg873His]QEGKLNRQQT